The following is an entry in ClinVar:

NM_001182.5(ALDH7A1):c.1384A>G (p.Lys462Glu)

Gene: ALDH7A1 (aldehyde dehydrogenase 7 family member A1; minus strand). Cytogenetic location: 5q23.2.
Variant type: single nucleotide variant.
Coding change: c.1384A>G on transcript NM_001182.5 (MANE Select); coding-DNA position 1384, A replaced by G.
Protein change: p.Lys462Glu; replaces lysine 462 with glutamic acid.
Molecular consequence: missense variant.
Genome position (GRCh38, 1-based): chr5:126,550,227, T>C on the plus strand (A>G on the coding strand, the complement: ALDH7A1 is on the minus strand). VCF-style: chr5-126550227-T-C. GRCh37 (hg19) VCF-style: chr5-125885919-T-C.
Other names: c.1300A>G, p.Lys434Glu (NM_001201377.2); c.1192A>G, p.Lys398Glu (NM_001202404.2); short protein forms K398E, K434E, K462E.
Identifiers: ClinVar variation 971667 (VCV000971667.10), dbSNP rs375090702, ClinGen allele CA126885612.

ClinVar aggregate classification (germline): Uncertain significance (1 of 4 stars; one submission).

Conditions:
Pyridoxine-dependent epilepsy (EPEO4). Also called: PYRIDOXINE DEPENDENCY WITH SEIZURES; Pyridoxine-Dependent Epilepsy - ALDH7A1; EPILEPSY, EARLY-ONSET, 4, VITAMIN B6-DEPENDENT; Pyridoxine-Dependent Seizures. Identifiers: Orphanet 3006, MedGen C1849508, MONDO:0009945, OMIM 266100. Disease mechanism: loss of function.

Allele frequency attached by ClinVar (database versions not stated): TOPMed below 0.00001; ESP Exome Variant Server 0.00008; gnomAD exomes below 0.00001.
gnomAD v4.1: 1 of 1,613,392 alleles (0.000062%); highest among the groups gnomAD compares: Non-Finnish European, 0.000085%; no homozygotes.

Submission:

Labcorp Genetics (formerly Invitae), Labcorp
Classification: Uncertain significance for Pyridoxine-dependent epilepsy. Last evaluated: 2020-12-30. Review status: criteria provided, single submitter. Criteria: Invitae Variant Classification Sherloc (09022015). Collection method: clinical testing. Allele origin: germline.
Comment: In summary, the available evidence is currently insufficient to determine the role of this variant in disease. Therefore, it has been classified as a Variant of Uncertain Significance. Algorithms developed to predict the effect of missense changes on protein structure and function (SIFT, PolyPhen-2, Align-GVGD) all suggest that this variant is likely to be tolerated, but these predictions have not been confirmed by published functional studies and their clinical significance is uncertain. This variant has not been reported in the literature in individuals with ALDH7A1-related conditions. This variant is not present in population databases (ExAC no frequency). This sequence change replaces lysine with glutamic acid at codon 462 of the ALDH7A1 protein (p.Lys462Glu). The lysine residue is moderately conserved and there is a small physicochemical difference between lysine and glutamic acid.